The following is an entry in ClinVar:

ClinVar aggregate classification (germline): Uncertain significance (1 of 4 stars; one submission).

Conditions:
Familial sleep-related hypermotor epilepsy. Also called: Autosomal Dominant Sleep-Related Hypermotor (Hyperkinetic) Epilepsy. Identifiers: Orphanet 98784, MedGen C3696898, MONDO:0000030.

Allele frequency attached by ClinVar (database versions not stated): gnomAD exomes below 0.00001 and 0.00001; ExAC 0.00001.
gnomAD v4.1: 5 of 1,613,998 alleles (0.00031%); highest among the groups gnomAD compares: Admixed American, 0.0033%; no homozygotes.

Submission:

Labcorp Genetics (formerly Invitae), Labcorp
Classification: Uncertain significance. Last evaluated: 2021-08-04. Review status: criteria provided, single submitter. Criteria: Invitae Variant Classification Sherloc (09022015). Collection method: clinical testing. Allele origin: germline.
Comment: In summary, the available evidence is currently insufficient to determine the role of this variant in disease. Therefore, it has been classified as a Variant of Uncertain Significance. Advanced modeling of protein sequence and biophysical properties (such as structural, functional, and spatial information, amino acid conservation, physicochemical variation, residue mobility, and thermodynamic stability) performed at Invitae indicates that this missense variant is not expected to disrupt CHRNA2 protein function. This variant has not been reported in the literature in individuals affected with CHRNA2-related conditions. This variant is present in population databases (rs758793756, ExAC 0.009%). This sequence change replaces valine with isoleucine at codon 234 of the CHRNA2 protein (p.Val234Ile). The valine residue is weakly conserved and there is a small physicochemical difference between valine and isoleucine.

NM_000742.4(CHRNA2):c.700G>A (p.Val234Ile)

Gene: CHRNA2 (cholinergic receptor nicotinic alpha 2 subunit; minus strand). Cytogenetic location: 8p21.2.
Variant type: single nucleotide variant.
Coding change: c.700G>A on transcript NM_000742.4 (MANE Select); coding-DNA position 700, G replaced by A.
Protein change: p.Val234Ile; replaces valine 234 with isoleucine.
Molecular consequence: missense variant.
Genome position (GRCh38, 1-based): chr8:27,463,743, C>T on the plus strand (G>A on the coding strand, the complement: CHRNA2 is on the minus strand). VCF-style: chr8-27463743-C-T. GRCh37 (hg19) VCF-style: chr8-27321260-C-T.
Other names: c.655G>A, p.Val219Ile (NM_001282455.2); c.223G>A, p.Val75Ile (NM_001347705.2, NM_001347706.2); c.106G>A, p.Val36Ile (NM_001347707.2, NM_001347708.2); short protein forms V36I, V75I, V219I, V234I.
Identifiers: ClinVar variation 1505685 (VCV001505685.8), dbSNP rs758793756, ClinGen allele CA4689608.